The following is an entry in ClinVar:

NM_000091.5(COL4A3):c.1373G>A (p.Gly458Glu)

Genes: COL4A3 (collagen type IV alpha 3 chain; plus strand), MFF-DT (MFF divergent transcript; minus strand). Cytogenetic location: 2q36.3.
Variant type: single nucleotide variant.
Coding change: c.1373G>A on transcript NM_000091.5 (MANE Select); coding-DNA position 1373, G replaced by A.
Protein change: p.Gly458Glu; replaces glycine 458 with glutamic acid.
Molecular consequence: missense variant.
Genome position (GRCh38, 1-based): chr2:227,266,474, G>A. VCF-style: chr2-227266474-G-A. GRCh37 (hg19) VCF-style: chr2-228131190-G-A.
Other names: short protein forms G458E.
Identifiers: ClinVar variation 1068322 (VCV001068322.9), dbSNP rs2125981183, ClinGen allele CA350870154.

ClinVar aggregate classification (germline): Likely pathogenic (1 of 4 stars; one submission).

Submission:

Labcorp Genetics (formerly Invitae), Labcorp
Classification: Likely pathogenic. Last evaluated: 2024-01-04. Review status: criteria provided, single submitter. Criteria: Invitae Variant Classification Sherloc (09022015). Collection method: clinical testing. Allele origin: germline.
Comment: This sequence change replaces glycine, which is neutral and non-polar, with glutamic acid, which is acidic and polar, at codon 458 of the COL4A3 protein (p.Gly458Glu). This variant is not present in population databases (gnomAD no frequency). This missense change has been observed in individual(s) with clinical features of Alport syndrome (Invitae). ClinVar contains an entry for this variant (Variation ID: 1068322). Advanced modeling of protein sequence and biophysical properties (such as structural, functional, and spatial information, amino acid conservation, physicochemical variation, residue mobility, and thermodynamic stability) has been performed at Invitae for this missense variant, however the output from this modeling did not meet the statistical confidence thresholds required to predict the impact of this variant on COL4A3 protein function. This variant disrupts the p.Gly458 amino acid residue in COL4A3. Other variant(s) that disrupt this residue have been determined to be pathogenic (Invitae). This suggests that this residue is clinically significant, and that variants that disrupt this residue are likely to be disease-causing. In summary, the currently available evidence indicates that the variant is pathogenic, but additional data are needed to prove that conclusively. Therefore, this variant has been classified as Likely Pathogenic.